The following is an entry in ClinVar:

ClinVar aggregate classification (germline): Benign/Likely benign. Review status: criteria provided, multiple submitters, no conflicts (2 of 4 stars). 4 submissions from 4 submitters: Benign (1); Likely benign (3). Last evaluated 2026-07-01.

Conditions:
Encephalopathy, acute, infection-induced (herpes-specific), susceptibility to, 1. Also called: Herpes simplex encephalitis, susceptibility to, 1. Identifiers: Orphanet 1930, MedGen C2750180, MONDO:0024563, OMIM 610551.

Allele frequency attached by ClinVar (database versions not stated): gnomAD 0.00599 and 0.00588; 1000 Genomes Project 30x 0.00359; gnomAD exomes 0.00595; TOPMed 0.00647; 1000 Genomes Project 0.00339; ExAC 0.00431.
gnomAD v4.1: 13,280 of 1,501,360 alleles (0.88%); highest among the groups gnomAD compares: Non-Finnish European, 1.1%; 74 homozygotes.

Submissions (4):

CeGaT Center for Human Genetics Tuebingen
Classification: Benign. Last evaluated: 2026-07-01. Review status: criteria provided, single submitter. Criteria: CeGaT Center For Human Genetics Tuebingen Variant Classification Criteria Version 2. Collection method: clinical testing. Allele origin: germline. Affected: yes. Observed: 7 variant alleles.
Comment: UNC93B1: BS1, BS2

Blueprint Genetics
Classification: Likely benign. Last evaluated: 2024-11-21. Review status: criteria provided, single submitter. Criteria: ACMG Guidelines, 2015. Collection method: clinical testing. Allele origin: germline.

Labcorp Genetics (formerly Invitae), Labcorp
Classification: Likely benign for Herpes simplex encephalitis 1. Last evaluated: 2019-12-31. Review status: criteria provided, single submitter. Criteria: Invitae Variant Classification Sherloc (09022015). Collection method: clinical testing. Allele origin: germline.

Breakthrough Genomics
Classification: Likely benign. Review status: criteria provided, single submitter. Criteria: ACMG Guidelines, 2015. Collection method: not provided. Allele origin: germline. Inheritance: Unknown mechanism. Affected: yes.

NM_030930.4(UNC93B1):c.1724C>A (p.Pro575His)

Gene: UNC93B1 (unc-93B1 regulator of TLR signaling; minus strand). Cytogenetic location: 11q13.2.
Variant type: single nucleotide variant.
Coding change: c.1724C>A on transcript NM_030930.4 (MANE Select); coding-DNA position 1724, C replaced by A.
Protein change: p.Pro575His; replaces proline 575 with histidine.
Molecular consequence: missense variant.
Genome position (GRCh38, 1-based): chr11:67,991,616, G>T on the plus strand (C>A on the coding strand, the complement: UNC93B1 is on the minus strand). VCF-style: chr11-67991616-G-T. GRCh37 (hg19) VCF-style: chr11-67759087-G-T.
Other names: short protein forms P575H.
Identifiers: ClinVar variation 782777 (VCV000782777.30), dbSNP rs535779712, ClinGen allele CA6145340.